The following is an entry in ClinVar:

NM_006734.4(HIVEP2):c.5113del (p.Tyr1705fs)

Gene: HIVEP2 (HIVEP zinc finger 2; minus strand). Cytogenetic location: 6q24.2.
Variant type: Deletion.
Coding change: c.5113del on transcript NM_006734.4 (MANE Select); coding-DNA position 5113, one base deleted (T; older notation c.5113delT).
Protein change: p.Tyr1705fs; shifts the reading frame from tyrosine 1705.
Molecular consequence: frameshift variant.
Genome position (GRCh38, 1-based): chr6:142,769,626, A deleted on the plus strand (T on the coding strand, the reverse complement: HIVEP2 is on the minus strand); the first of 3 consecutive A bases (chr6:142,769,626-142,769,628); deleting any one gives the same sequence. VCF-style (leftmost placement, unchanged base first): chr6-142769625-TA-T. GRCh37 (hg19) VCF-style: chr6-143090762-TA-T.
Other names: c.5113del, p.Tyr1705fs (NM_001438449.1, NM_001438450.1, NM_001438451.1); short protein forms Y1705fs.
Identifiers: ClinVar variation 4813507 (VCV004813507.1).
Genomic context (GRCh38, chr6:142,769,625, plus strand): 5'-TTCCAAGCACTTGATGATGTAAGCTTGCCGGTTCCAGGCCTATGCATAGCAGCCAGAGTA[TA>T]AATTTCTGCAGTGATTTTTTGCTTGGACCTCAGAAGAGCCAGCGTGGTCTTGGTGTTCAA-3'

ClinVar aggregate classification (germline): Likely pathogenic (1 of 4 stars; one submission).

Conditions:
Intellectual developmental disorder, autosomal dominant 43. Also called: Intellectual disability, autosomal dominant 43. Identifiers: MedGen C4707429, MONDO:0014858, OMIM 616977.

Submission:

Department of Pediatrics, Division of Medical Genetics, Faculty of Medicine Ramathibodi Hospital, Mahidol University
Classification: Likely pathogenic for Intellectual developmental disorder, autosomal dominant 43. Last evaluated: 2026-03-04. Review status: criteria provided, single submitter. Criteria: ACMG Guidelines, 2015. Collection method: research. Allele origin: germline. Inheritance: Autosomal dominant inheritance. Affected: yes. Observed: 1 variant allele, 1 heterozygote.
Comment: A heterozygous c.5113del variant in the HIVEP2 gene was identified. In silico prediction tools indicate that this variant may affect protein function. This variant has not been reported in population-based cohorts, including the Genome Aggregation Database (gnomAD).